The following is an entry in ClinVar:

ClinVar aggregate classification (germline): Uncertain significance (1 of 4 stars; one submission).

Conditions:
Hereditary cancer-predisposing syndrome. Also called: Neoplastic Syndromes, Hereditary; Tumor predisposition; Hereditary Cancer Syndrome; Hereditary neoplastic syndrome. Identifiers: Orphanet 140162, MedGen C0027672, MeSH D009386, MONDO:0015356.

Submission:

Ambry Genetics
Classification: Uncertain significance for Hereditary cancer-predisposing syndrome. Last evaluated: 2025-09-17. Review status: criteria provided, single submitter. Criteria: Ambry Variant Classification Scheme 2023. Collection method: clinical testing. Allele origin: germline.
Comment: The p.S142I variant (also known as c.425G>T), located in coding exon 4 of the ATM gene, results from a G to T substitution at nucleotide position 425. The serine at codon 142 is replaced by isoleucine, an amino acid with dissimilar properties. This amino acid position is highly conserved in available vertebrate species. In addition, this alteration is predicted to be deleterious by in silico analysis. Based on the available evidence, the clinical significance of this variant remains unclear.

NM_000051.4(ATM):c.425G>T (p.Ser142Ile)

Gene: ATM (ATM serine/threonine kinase; plus strand). Cytogenetic location: 11q22.3.
Variant type: single nucleotide variant.
Coding change: c.425G>T on transcript NM_000051.4 (MANE Select); coding-DNA position 425, G replaced by T.
Protein change: p.Ser142Ile; replaces serine 142 with isoleucine.
Molecular consequence: missense variant.
Genome position (GRCh38, 1-based): chr11:108,235,763, G>T. VCF-style: chr11-108235763-G-T. GRCh37 (hg19) VCF-style: chr11-108106490-G-T.
Other names: c.425G>T, p.Ser142Ile (NM_001351834.2); short protein forms S142I.
Identifiers: ClinVar variation 4617073 (VCV004617073.1).